The following is an entry in ClinVar:

ClinVar aggregate classification (germline): Uncertain significance (1 of 4 stars; one submission).

Allele frequency attached by ClinVar (database versions not stated): gnomAD exomes 0.00001; gnomAD 0.00002.

Submission:

Ambry Genetics
Classification: Uncertain significance. Last evaluated: 2025-12-22. Review status: criteria provided, single submitter. Criteria: Ambry Variant Classification Scheme 2023. Collection method: clinical testing. Allele origin: germline.
Comment: The c.364C>T (p.R122W) alteration is located in exon 3 (coding exon 3) of the HEPH gene. This alteration results from a C to T substitution at nucleotide position 364, causing the arginine (R) at amino acid position 122 to be replaced by a tryptophan (W). Based on data from gnomAD, the T allele has an overall frequency of 0.001% (2/167463) total alleles studied. The highest observed frequency was 0.008% (2/23744) of Latino alleles. Based on insufficient or conflicting evidence, the clinical significance of this alteration remains unclear.

NM_001367233.3(HEPH):c.202C>T (p.Arg68Trp)

Gene: HEPH (hephaestin; plus strand). Cytogenetic location: Xq12.
Variant type: single nucleotide variant.
Coding change: c.202C>T on transcript NM_001367233.3 (MANE Select); coding-DNA position 202, C replaced by T.
Protein change: p.Arg68Trp; replaces arginine 68 with tryptophan.
Molecular consequence: missense variant. On other transcripts: 5 prime UTR variant (2), non-coding transcript variant (3).
Genome position (GRCh38, 1-based): chrX:66,172,389, C>T. VCF-style: chrX-66172389-C-T. GRCh37 (hg19) VCF-style: chrX-65392231-C-T.
Other names: c.202C>T, p.Arg68Trp (NM_001130860.6, NM_001282141.3, NM_001367232.3 and 8 more transcripts); c.-600C>T (NM_001367242.2, NM_014799.4); short protein forms R68W.
Identifiers: ClinVar variation 2541313 (VCV002541313.3), dbSNP rs748484259, ClinGen allele CA10435204.